The following is an entry in ClinVar:

ClinVar aggregate classification (germline): Uncertain significance (1 of 4 stars; one submission).

Conditions:
Hereditary cancer-predisposing syndrome. Also called: Neoplastic Syndromes, Hereditary; Tumor predisposition; Hereditary Cancer Syndrome; Hereditary neoplastic syndrome. Identifiers: Orphanet 140162, MedGen C0027672, MeSH D009386, MONDO:0015356.

Submission:

Ambry Genetics
Classification: Uncertain significance for Hereditary cancer-predisposing syndrome. Last evaluated: 2026-05-02. Review status: criteria provided, single submitter. Criteria: Ambry Variant Classification Scheme 2023. Collection method: clinical testing. Allele origin: germline.
Comment: The p.R115K variant (also known as c.344G>A), located in coding exon 2 of the PRKAR1A gene, results from a G to A substitution at nucleotide position 344. The arginine at codon 115 is replaced by lysine, an amino acid with highly similar properties. This amino acid position is conserved. In addition, the in silico prediction for this alteration is inconclusive. Based on the available evidence, the clinical significance of this variant remains unclear.

NM_002734.5(PRKAR1A):c.344G>A (p.Arg115Lys)

Gene: PRKAR1A (protein kinase cAMP-dependent type I regulatory subunit alpha; plus strand). Cytogenetic location: 17q24.2.
Variant type: single nucleotide variant.
Coding change: c.344G>A on transcript NM_002734.5 (MANE Select); coding-DNA position 344, G replaced by A.
Protein change: p.Arg115Lys; replaces arginine 115 with lysine.
Molecular consequence: missense variant.
Genome position (GRCh38, 1-based): chr17:68,522,922, G>A. VCF-style: chr17-68522922-G-A. GRCh37 (hg19) VCF-style: chr17-66519063-G-A.
Other names: c.344G>A, p.Arg115Lys (NM_001276289.2, NM_001276290.1, NM_001278433.2 and 4 more transcripts); short protein forms R115K.
Identifiers: ClinVar variation 4862510 (VCV004862510.1), dbSNP rs267605014.